The following is an entry in ClinVar:

NM_001195263.2(PDZD7):c.2372C>T (p.Ser791Phe)

Gene: PDZD7 (PDZ domain containing 7; minus strand). Cytogenetic location: 10q24.31.
Variant type: single nucleotide variant.
Coding change: c.2372C>T on transcript NM_001195263.2 (MANE Select); coding-DNA position 2372, C replaced by T.
Protein change: p.Ser791Phe; replaces serine 791 with phenylalanine.
Molecular consequence: missense variant.
Genome position (GRCh38, 1-based): chr10:101,010,517, G>A on the plus strand (C>T on the coding strand, the complement: PDZD7 is on the minus strand). VCF-style: chr10-101010517-G-A. GRCh37 (hg19) VCF-style: chr10-102770274-G-A.
Other names: short protein forms S791F.
Identifiers: ClinVar variation 937215 (VCV000937215.9), dbSNP rs753244651, ClinGen allele CA5653974.

ClinVar aggregate classification (germline): Uncertain significance. Review status: criteria provided, multiple submitters, no conflicts (2 of 4 stars). 3 submissions from 3 submitters: Uncertain significance (3). Last evaluated 2025-12-09.

Allele frequency attached by ClinVar (database versions not stated): gnomAD exomes 0.00002 and 0.00007; 1000 Genomes Project 30x 0.00016; ExAC 0.00025; gnomAD 0.00031 and 0.00034; TOPMed 0.00038.
gnomAD v4.1: 84 of 1,532,150 alleles (0.0055%); highest among the groups gnomAD compares: African/African-American, 0.085%; no homozygotes.

Submissions (3):

Labcorp Genetics (formerly Invitae), Labcorp
Classification: Uncertain significance. Last evaluated: 2025-12-09. Review status: criteria provided, single submitter. Criteria: Invitae Variant Classification Sherloc (09022015). Collection method: clinical testing. Allele origin: germline.
Comment: This sequence change replaces serine, which is neutral and polar, with phenylalanine, which is neutral and non-polar, at codon 791 of the PDZD7 protein (p.Ser791Phe). This variant is present in population databases (rs753244651, gnomAD 0.1%). This variant has not been reported in the literature in individuals affected with PDZD7-related conditions. ClinVar contains an entry for this variant (Variation ID: 937215). Invitae Evidence Modeling of protein sequence and biophysical properties (such as structural, functional, and spatial information, amino acid conservation, physicochemical variation, residue mobility, and thermodynamic stability) indicates that this missense variant is not expected to disrupt PDZD7 protein function with a negative predictive value of 80%. In summary, the available evidence is currently insufficient to determine the role of this variant in disease. Therefore, it has been classified as a Variant of Uncertain Significance.

GeneDx
Classification: Uncertain significance. Last evaluated: 2025-04-27. Review status: criteria provided, single submitter. Criteria: GeneDx Variant Classification Process June 2021. Collection method: clinical testing. Allele origin: germline.
Comment: In silico analysis indicates that this missense variant does not alter protein structure/function; Has not been previously published as pathogenic or benign to our knowledge

Blueprint Genetics
Classification: Uncertain significance. Last evaluated: 2024-09-11. Review status: criteria provided, single submitter. Criteria: ACMG Guidelines, 2015. Collection method: clinical testing. Allele origin: germline.